The following is an entry in ClinVar:

ClinVar aggregate classification (germline): Uncertain significance (1 of 4 stars; one submission).

Submission:

GeneDx
Classification: Uncertain significance. Last evaluated: 2017-08-14. Review status: criteria provided, single submitter. Criteria: GeneDx Variant Classification (06012015). Collection method: clinical testing. Allele origin: germline. Affected: yes.
Comment: The I229F variant has not been published as a pathogenic variant, nor has it been reported as a benign variant to our knowledge. The I229F variant is not observed in large population cohorts (Lek et al., 2016; 1000 Genomes Consortium et al., 2015; Exome Variant Server). This variant is a conservative amino acid substitution, which is not likely to impact secondary protein structure as these residues share similar properties. Additionally, this substitution occurs at a position where amino acids with similar properties to Isoleucine are tolerated across species. However, in silico analysis predicts this variant is probably damaging to the protein structure/function.

NM_002241.5(KCNJ10):c.685A>T (p.Ile229Phe)

Gene: KCNJ10 (potassium inwardly rectifying channel subfamily J member 10; minus strand). Cytogenetic location: 1q23.2.
Variant type: single nucleotide variant.
Coding change: c.685A>T on transcript NM_002241.5 (MANE Select); coding-DNA position 685, A replaced by T.
Protein change: p.Ile229Phe; replaces isoleucine 229 with phenylalanine.
Molecular consequence: missense variant.
Genome position (GRCh38, 1-based): chr1:160,041,848, T>A on the plus strand (A>T on the coding strand, the complement: KCNJ10 is on the minus strand). VCF-style: chr1-160041848-T-A. GRCh37 (hg19) VCF-style: chr1-160011638-T-A.
Other names: short protein forms I229F.
Identifiers: ClinVar variation 451168 (VCV000451168.2), dbSNP rs767156961, ClinGen allele CA343225927.
Genomic context (GRCh38, chr1:160,041,848, plus strand): 5'-GGAAGGGGCTGTCAGAGGCTGTGTCTACTTGGAAAGTCACATTGACCTGGTTGAGCCGGA[T>A]GTTCTCCCCTTCCTTGGTTTGGTGGGTCTGAAGCAGTTTTCCTGTCACCTGGCAGCCAAT-3'
Protein context (NP_002232.2, residues 219-239): QTHQTKEGEN[Ile229Phe]RLNQVNVTFQ